The following is an entry in ClinVar:

ClinVar aggregate classification (germline): Uncertain significance. Review status: criteria provided, multiple submitters, no conflicts (2 of 4 stars). 3 submissions from 3 submitters: Uncertain significance (3). Last evaluated 2025-10-08.

Conditions:
PLEC-related disorder. Also called: PLEC-related disorders; PLEC-related condition.
Epidermolysis bullosa simplex 5C, with pyloric atresia (EBS5C). Also called: PLEC-Related Epidermolysis Bullosa with Pyloric Atresia; PLEC1-Related Epidermolysis Bullosa with Pyloric Atresia; Epidermolysis bullosa simplex with pyloric atresia. Identifiers: Orphanet 158684, MedGen C2677349, MONDO:0012807, OMIM 612138.
Epidermolysis bullosa simplex, Ogna type (EBS5A). Also called: Pidermolysis bullosa simplex 5A, Ogna type; EPIDERMOLYSIS BULLOSA SIMPLEX 5A, OGNA TYPE. Identifiers: Orphanet 79401, MedGen C0432317, MONDO:0007555, OMIM 131950.
Epidermolysis bullosa simplex 5B, with muscular dystrophy (EBS5B). Also called: Epidermolysis bullosa simplex with muscular dystrophy; EPIDERMOLYSIS BULLOSA SIMPLEX AND LIMB-GIRDLE MUSCULAR DYSTROPHY. Identifiers: Orphanet 257, MedGen C2931072, MONDO:0009181, OMIM 226670.
Epidermolysis bullosa simplex with nail dystrophy (EBS5D). Identifiers: MedGen C4225309, MONDO:0014661, OMIM 616487.
Autosomal recessive limb-girdle muscular dystrophy type 2Q (LGMDR17). Also called: MUSCULAR DYSTROPHY, LIMB-GIRDLE, AUTOSOMAL RECESSIVE 17. Identifiers: Orphanet 254361, MedGen C3150989, MONDO:0013390, OMIM 613723.

Allele frequency attached by ClinVar (database versions not stated): gnomAD exomes 0.00004 and 0.00003; gnomAD 0.00006 and 0.00007; TOPMed 0.00007; ESP Exome Variant Server 0.00008; ExAC 0.00002.
gnomAD v4.1: 51 of 1,611,938 alleles (0.0032%); highest among the groups gnomAD compares: Middle Eastern, 0.033%; no homozygotes.

Submissions (3):

Labcorp Genetics (formerly Invitae), Labcorp
Classification: Uncertain significance for Autosomal recessive limb-girdle muscular dystrophy type 2Q; Epidermolysis bullosa simplex, Ogna type; Epidermolysis bullosa simplex with nail dystrophy; Epidermolysis bullosa simplex 5C, with pyloric atresia; Epidermolysis bullosa simplex 5B, with muscular dystrophy. Last evaluated: 2025-10-08. Review status: criteria provided, single submitter. Criteria: Invitae Variant Classification Sherloc (09022015). Collection method: clinical testing. Allele origin: germline.
Comment: This sequence change replaces valine, which is neutral and non-polar, with methionine, which is neutral and non-polar, at codon 2937 of the PLEC protein (p.Val2937Met). This variant is present in population databases (rs375607727, gnomAD 0.02%). This variant has not been reported in the literature in individuals affected with PLEC-related conditions. ClinVar contains an entry for this variant (Variation ID: 573143). An algorithm developed to predict the effect of missense changes on protein structure and function (PolyPhen-2) suggests that this variant is likely to be disruptive. In summary, the available evidence is currently insufficient to determine the role of this variant in disease. Therefore, it has been classified as a Variant of Uncertain Significance.

PreventionGenetics, part of Exact Sciences
Classification: Uncertain significance for PLEC-related condition. Last evaluated: 2025-09-04. Review status: criteria provided, single submitter. Criteria: ACMG Guidelines, 2015. Collection method: clinical testing. Allele origin: germline.
Comment: The PLEC c.8809G>A variant is predicted to result in the amino acid substitution p.Val2937Met. To our knowledge, this variant has not been reported in the literature. This variant is reported in 0.020% of alleles in individuals of African descent in gnomAD. At this time, the clinical significance of this variant is uncertain due to the absence of conclusive functional and genetic evidence.

Revvity Omics, Revvity
Classification: Uncertain significance. Last evaluated: 2022-09-30. Review status: criteria provided, single submitter. Criteria: ACMG Guidelines, 2015. Collection method: clinical testing. Allele origin: germline.

NM_201384.3(PLEC):c.8728G>A (p.Val2910Met)

Gene: PLEC (plectin; minus strand). Cytogenetic location: 8q24.3.
Variant type: single nucleotide variant.
Coding change: c.8728G>A on transcript NM_201384.3 (MANE Select); coding-DNA position 8728, G replaced by A.
Protein change: p.Val2910Met; replaces valine 2910 with methionine.
Molecular consequence: missense variant.
Genome position (GRCh38, 1-based): chr8:143,921,093, C>T on the plus strand (G>A on the coding strand, the complement: PLEC is on the minus strand). VCF-style: chr8-143921093-C-T. GRCh37 (hg19) VCF-style: chr8-144995261-C-T.
Other names: c.8809G>A, p.Val2937Met (NM_000445.5); c.8686G>A, p.Val2896Met (NM_201378.4); c.8662G>A, p.Val2888Met (NM_201379.3); c.9139G>A, p.Val3047Met (NM_201380.4); c.8632G>A, p.Val2878Met (NM_201381.3); c.8728G>A, p.Val2910Met (NM_201382.4); c.8740G>A, p.Val2914Met (NM_201383.3); short protein forms V2937M, V2914M, V3047M, V2878M, V2888M, V2896M, V2910M.
Identifiers: ClinVar variation 573143 (VCV000573143.10), dbSNP rs375607727, ClinGen allele CA4925205.